The following is an entry in ClinVar:

ClinVar aggregate classification (germline): Uncertain significance (1 of 4 stars; one submission).

Conditions:
Ehlers-Danlos syndrome, classic type, 1 (EDSCL1). Also called: EHLERS-DANLOS SYNDROME, GRAVIS TYPE; EHLERS-DANLOS SYNDROME, SEVERE CLASSIC TYPE; Ehlers-Danlos syndrome, type 1; Ehlers-Danlos Syndrome, Classic Type, COL5A1-Related; EDS I. Identifiers: MedGen C0268335, MONDO:0019567, OMIM 130000.
Osteogenesis imperfecta type I (OI1). Also called: OI, TYPE I; OSTEOGENESIS IMPERFECTA TARDA; OSTEOGENESIS IMPERFECTA WITH BLUE SCLERAE; Osteogenesis imperfecta type 1; Lobstein's Disease; Lobstein disease. Identifiers: Orphanet 216796, Orphanet 666, MedGen C0023931, MONDO:0008146, OMIM 166200. Disease mechanism: loss of function.

Submission:

Labcorp Genetics (formerly Invitae), Labcorp
Classification: Uncertain significance for Osteogenesis imperfecta type I; Ehlers-Danlos syndrome, classic type, 1. Last evaluated: 2025-09-11. Review status: criteria provided, single submitter. Criteria: Invitae Variant Classification Sherloc (09022015). Collection method: clinical testing. Allele origin: germline.
Comment: This sequence change replaces proline, which is neutral and non-polar, with serine, which is neutral and polar, at codon 150 of the COL1A2 protein (p.Pro150Ser). This variant is not present in population databases (gnomAD no frequency). This variant has not been reported in the literature in individuals affected with COL1A2-related conditions. ClinVar contains an entry for this variant (Variation ID: 3764009). Invitae Evidence Modeling of protein sequence and biophysical properties (such as structural, functional, and spatial information, amino acid conservation, physicochemical variation, residue mobility, and thermodynamic stability) indicates that this missense variant is not expected to disrupt COL1A2 protein function with a negative predictive value of 95%. In summary, the available evidence is currently insufficient to determine the role of this variant in disease. Therefore, it has been classified as a Variant of Uncertain Significance.

NM_000089.4(COL1A2):c.448C>T (p.Pro150Ser)

Gene: COL1A2 (collagen type I alpha 2 chain; plus strand). Cytogenetic location: 7q21.3.
Variant type: single nucleotide variant.
Coding change: c.448C>T on transcript NM_000089.4 (MANE Select); coding-DNA position 448, C replaced by T.
Protein change: p.Pro150Ser; replaces proline 150 with serine.
Molecular consequence: missense variant.
Genome position (GRCh38, 1-based): chr7:94,405,214, C>T. VCF-style: chr7-94405214-C-T. GRCh37 (hg19) VCF-style: chr7-94034526-C-T.
Other names: short protein forms P150S.
Identifiers: ClinVar variation 3764009 (VCV003764009.2).